The following is an entry in ClinVar:

ClinVar aggregate classification (germline): Uncertain significance (1 of 4 stars; one submission).

Conditions:
Autosomal recessive limb-girdle muscular dystrophy type 2J (LGMDR10). Also called: Limb-girdle muscular dystrophy, type 2J; MUSCULAR DYSTROPHY, LIMB-GIRDLE, AUTOSOMAL RECESSIVE 10. Identifiers: Orphanet 140922, MedGen C1837342, MONDO:0012127, OMIM 608807.
Dilated cardiomyopathy 1G (CMD1G). Identifiers: Orphanet 154, MedGen C1858763, MONDO:0011400, OMIM 604145.

gnomAD v4.1: 2 of 1,553,016 alleles (0.00013%); highest among the groups gnomAD compares: Non-Finnish European, 0.00017%; no homozygotes.

Submission:

Labcorp Genetics (formerly Invitae), Labcorp
Classification: Uncertain significance for Dilated cardiomyopathy 1G; Autosomal recessive limb-girdle muscular dystrophy type 2J. Last evaluated: 2022-04-08. Review status: criteria provided, single submitter. Criteria: Invitae Variant Classification Sherloc (09022015). Collection method: clinical testing. Allele origin: germline.
Comment: This variant is located in the I band of TTN (PMID: 25589632). Variants in this region may be clinically relevant, but have not been definitively shown to cause cardiomyopathy or neuromuscular disease (PMID: 27493940, 32778822). In summary, the available evidence is currently insufficient to determine the role of this variant in disease. Therefore, it has been classified as a Variant of Uncertain Significance. Variants that disrupt the consensus splice site are a relatively common cause of aberrant splicing (PMID: 17576681, 9536098). Algorithms developed to predict the effect of sequence changes on RNA splicing suggest that this variant may disrupt the consensus splice site. Experimental studies and prediction algorithms are not available or were not evaluated, and the functional significance of this variant is currently unknown. This variant has not been reported in the literature in individuals affected with TTN-related conditions. This variant is not present in population databases (gnomAD no frequency). This sequence change replaces valine, which is neutral and non-polar, with leucine, which is neutral and non-polar, at codon 10476 of the TTN protein (p.Val10476Leu). This variant also falls at the last nucleotide of exon 117, which is part of the consensus splice site for this exon.

Literature cited by the submitters: PubMed 25589632; PubMed 27493940; PubMed 32778822; PubMed 17576681; PubMed 9536098.

NM_001267550.2(TTN):c.31426G>T (p.Val10476Leu)

Gene: TTN (titin; minus strand). Cytogenetic location: 2q31.2.
Variant type: single nucleotide variant.
Coding change: c.31426G>T on transcript NM_001267550.2 (MANE Select); coding-DNA position 31426, G replaced by T.
Protein change: p.Val10476Leu; replaces valine 10476 with leucine.
Molecular consequence: missense variant. On other transcripts: intron variant (3).
Genome position (GRCh38, 1-based): chr2:178,694,599, C>A on the plus strand (G>T on the coding strand, the complement: TTN is on the minus strand). VCF-style: chr2-178694599-C-A. GRCh37 (hg19) VCF-style: chr2-179559326-C-A.
Other names: c.30475G>T, p.Val10159Leu (NM_001256850.1); c.27694G>T, p.Val9232Leu (NM_133378.4); c.13282+43483G>T (NM_003319.4); c.13858+43483G>T (NM_133437.4); c.13657+43483G>T (NM_133432.3); short protein forms V10159L, V10476L, V9232L.
Identifiers: ClinVar variation 2119786 (VCV002119786.2), dbSNP rs866497993, ClinGen allele CA60991645.